The following is an entry in ClinVar:

NM_024757.5(EHMT1):c.167G>T (p.Gly56Val)

Gene: EHMT1 (euchromatic histone lysine methyltransferase 1; plus strand). Cytogenetic location: 9q34.3.
Variant type: single nucleotide variant.
Coding change: c.167G>T on transcript NM_024757.5 (MANE Select); coding-DNA position 167, G replaced by T.
Protein change: p.Gly56Val; replaces glycine 56 with valine.
Molecular consequence: missense variant.
Genome position (GRCh38, 1-based): chr9:137,716,707, G>T. VCF-style: chr9-137716707-G-T. GRCh37 (hg19) VCF-style: chr9-140611159-G-T.
Other names: c.167G>T (NM_024757.4); c.167G>T, p.Gly56Val (NM_001145527.2, NM_001354263.2, NM_001354611.2); c.74G>T, p.Gly25Val (NM_001354259.2, NM_001354612.2); short protein forms G56V, G25V.
Identifiers: ClinVar variation 2897814 (VCV002897814.4), dbSNP rs2541027734, ClinGen allele CA375762759.

ClinVar aggregate classification (germline): Uncertain significance. Review status: criteria provided, multiple submitters, no conflicts (2 of 4 stars). 2 submissions from 2 submitters: Uncertain significance (2). Last evaluated 2024-11-11.

Conditions:
Kleefstra syndrome 1 (KLEFS1). Identifiers: Orphanet 261494, MedGen C0795833, MONDO:0027407, OMIM 610253.
EHMT1-related disorder. Also called: EHMT1-related condition.

Submissions (2):

PreventionGenetics, part of Exact Sciences
Classification: Uncertain significance for EHMT1-related condition. Last evaluated: 2024-11-11. Review status: criteria provided, single submitter. Criteria: ACMG Guidelines, 2015. Collection method: clinical testing. Allele origin: germline.
Comment: The EHMT1 c.167G>T variant is predicted to result in the amino acid substitution p.Gly56Val. To our knowledge, this variant has not been reported in the literature or in a large population database (gnomAD), indicating this variant is rare. At this time, the clinical significance of this variant is uncertain due to the absence of conclusive functional and genetic evidence.

Labcorp Genetics (formerly Invitae), Labcorp
Classification: Uncertain significance for Kleefstra syndrome 1. Last evaluated: 2022-12-15. Review status: criteria provided, single submitter. Criteria: Invitae Variant Classification Sherloc (09022015). Collection method: clinical testing. Allele origin: germline.
Comment: In summary, the available evidence is currently insufficient to determine the role of this variant in disease. Therefore, it has been classified as a Variant of Uncertain Significance. Algorithms developed to predict the effect of missense changes on protein structure and function are either unavailable or do not agree on the potential impact of this missense change (SIFT: "Deleterious"; PolyPhen-2: "Benign"; Align-GVGD: "Class C0"). This variant has not been reported in the literature in individuals affected with EHMT1-related conditions. This variant is not present in population databases (gnomAD no frequency). This sequence change replaces glycine, which is neutral and non-polar, with valine, which is neutral and non-polar, at codon 56 of the EHMT1 protein (p.Gly56Val).